The following is an entry in ClinVar:

NM_000138.5(FBN1):c.3937G>A (p.Gly1313Ser)

Gene: FBN1 (fibrillin 1; minus strand). Cytogenetic location: 15q21.1.
Variant type: single nucleotide variant.
Coding change: c.3937G>A on transcript NM_000138.5 (MANE Select); coding-DNA position 3937, G replaced by A.
Protein change: p.Gly1313Ser; replaces glycine 1313 with serine.
Molecular consequence: missense variant.
Genome position (GRCh38, 1-based): chr15:48,481,682, C>T on the plus strand (G>A on the coding strand, the complement: FBN1 is on the minus strand). VCF-style: chr15-48481682-C-T. GRCh37 (hg19) VCF-style: chr15-48773879-C-T.
Other names: short protein forms G1313S.
Identifiers: ClinVar variation 549195 (VCV000549195.16), dbSNP rs1156984408, ClinGen allele CA392322248.

ClinVar aggregate classification (germline): Conflicting classifications of pathogenicity. Review status: criteria provided, conflicting classifications (1 of 4 stars). 7 submissions from 7 submitters: Likely pathogenic (1); Uncertain significance (5). 1 of the submissions does not count toward it. Last evaluated 2026-09-02.

Conditions:
Familial thoracic aortic aneurysm and aortic dissection (TAAD). Also called: Thoracic aortic aneurysms and dissections. Identifiers: Orphanet 91387, MedGen C4707243, MONDO:0019625.
Marfan syndrome (MFS). Also called: Marfan syndrome type 1; Marfan syndrome, classic; Marfan's syndrome; FBN1-Related Marfan Syndrome; MARFAN SYNDROME, TYPE I. Identifiers: Orphanet 284963, Orphanet 558, MedGen C0024796, MONDO:0007947, OMIM 154700.
FBN1-related disorder. Also called: FBN1-related disorders.

Allele frequency attached by ClinVar (database versions not stated): gnomAD exomes below 0.00001 and 0.00001; TOPMed 0.00001; gnomAD 0.00002.
gnomAD v4.1: 21 of 1,613,268 alleles (0.0013%); highest among the groups gnomAD compares: South Asian, 0.0022%; no homozygotes.

Submissions (7):

PreventionGenetics, part of Exact Sciences
Classification: Uncertain significance for FBN1-related condition. Last evaluated: 2026-09-02. Review status: criteria provided, single submitter. Criteria: ACMG Guidelines, 2015. Collection method: clinical testing. Allele origin: germline.
Comment: The FBN1 c.3937G>A variant is predicted to result in the amino acid substitution p.Gly1313Ser. This variant was reported in an individual with severe adolescent idiopathic scoliosis (Buchan et al 2014. PubMed ID: 24833718). This variant was also reported in an individual with a connective tissue disorder (Renner S et al 2019. PubMed ID: 30675029). . This variant is reported in 0.00088% of alleles in individuals of European (Non-Finnish) descent in gnomAD. At this time, the clinical significance of this variant is uncertain due to the absence of conclusive functional and genetic evidence.

Labcorp Genetics (formerly Invitae), Labcorp
Classification: Uncertain significance for Marfan syndrome; Familial thoracic aortic aneurysm and aortic dissection. Last evaluated: 2025-12-01. Review status: criteria provided, single submitter. Criteria: Invitae Variant Classification Sherloc (09022015). Collection method: clinical testing. Allele origin: germline.
Comment: This sequence change replaces glycine, which is neutral and non-polar, with serine, which is neutral and polar, at codon 1313 of the FBN1 protein (p.Gly1313Ser). This variant is present in population databases (no rsID available, gnomAD 0.0009%). This missense change has been observed in individual(s) with TAAD-related disease (PMID: 24833718, 30675029). ClinVar contains an entry for this variant (Variation ID: 549195). Invitae Evidence Modeling of protein sequence and biophysical properties (such as structural, functional, and spatial information, amino acid conservation, physicochemical variation, residue mobility, and thermodynamic stability) indicates that this missense variant is expected to disrupt FBN1 protein function with a positive predictive value of 95%. In summary, the available evidence is currently insufficient to determine the role of this variant in disease. Therefore, it has been classified as a Variant of Uncertain Significance.

Ambry Genetics
Classification: Uncertain significance for Familial thoracic aortic aneurysm and aortic dissection. Last evaluated: 2025-07-11. Review status: criteria provided, single submitter. Criteria: Ambry Variant Classification Scheme 2023. Collection method: clinical testing. Allele origin: germline.
Comment: The p.G1313S variant (also known as c.3937G>A), located in coding exon 31 of the FBN1 gene, results from a G to A substitution at nucleotide position 3937. The glycine at codon 1313 is replaced by serine, an amino acid with similar properties. This variant was reported in an individual with thoracic aortic aneurysm/dissection and an individual with adolescent idiopathic scoliosis (Buchan JG et al. Hum Mol Genet, 2014 Oct;23:5271-82; Renner S et al. Genet Med, 2019 Aug;21:1832-1841). This amino acid position is not well conserved in available vertebrate species. In addition, the in silico prediction for this alteration is inconclusive. Based on the available evidence, the clinical significance of this variant remains unclear.

All of Us Research Program, National Institutes of Health
Classification: Uncertain significance for Marfan syndrome. Last evaluated: 2024-06-09. Review status: criteria provided, single submitter. Criteria: ACMG Guidelines, 2015. Collection method: clinical testing. Allele origin: germline. Inheritance: Autosomal dominant inheritance. Observed: 1 variant allele, 1 heterozygote.
Comment: This missense variant replaces glycine with serine at codon 1313 of the FBN1 protein. Computational prediction tools and conservation analyses are inconclusive regarding the impact of this variant on the protein function. Computational splicing tools suggest that this variant may not impact RNA splicing. To our knowledge, functional assays have not been performed for this variant. This variant has been reported in an individual affected with thoracic aortic aneurysm dissection (PMID: 30675029) and in an individual affected with adolescent idiopathic scoliosis (PMID: 24833718). This variant has also been identified in 1/251176 chromosomes in the general population by the Genome Aggregation Database (gnomAD). Available evidence is insufficient to determine the role of this variant in disease conclusively. Therefore, this variant is classified as a Variant of Uncertain Significance.

This study involves interpretation of variants in research participants for the purpose of population health screening. Participant phenotype was not available at the time of variant classification. Additional details can be found in publication PMID: 35346344, PMCID: PMC8962531

Color Diagnostics, LLC DBA Color Health
Classification: Uncertain significance for Familial thoracic aortic aneurysm and aortic dissection. Last evaluated: 2024-05-11. Review status: criteria provided, single submitter. Criteria: ACMG Guidelines, 2015. Collection method: clinical testing. Allele origin: germline.
Comment: This missense variant replaces glycine with serine at codon 1313 of the FBN1 protein. Computational prediction tools indicate that this variant has a deleterious impact on protein structure and function. To our knowledge, functional studies have not been reported for this variant. This variant has been reported in one individual affected with thoracic aortic aneurysm dissection (PMID: 30675029) and in one individual affected with adolescent idiopathic scoliosis (PMID: 24833718). This variant has been identified in 1/251176 chromosomes in the general population by the Genome Aggregation Database (gnomAD). The available evidence is insufficient to determine the role of this variant in disease conclusively. Therefore, this variant is classified as a Variant of Uncertain Significance.

Institute of Human Genetics, University Medical Center Hamburg-Eppendorf
Classification: Likely pathogenic for Thoracic aortic aneurysm and aortic dissection. Last evaluated: 2018-11-20. Review status: criteria provided, single submitter. Criteria: ACMG Guidelines, 2015. Collection method: clinical testing. Allele origin: unknown. Inheritance: Autosomal dominant inheritance. Affected: yes.
Comment: Variant annotated in HGMD as DM has been associated with an alternative phenotype, i.e. severe adolescent idiopathoc scoliosis.

Center for Medical Genetics Ghent, University of Ghent
Classification: Uncertain significance for Marfan syndrome. Last evaluated: 2017-11-07. Review status: no assertion criteria provided. Collection method: clinical testing. Allele origin: germline. Affected: yes. Not counted in ClinVar's aggregate classification.

Literature cited by the submitters: PubMed 24833718 (cited by 5 submitters); PubMed 30675029 (cited by 5 submitters).